The following is an entry in ClinVar:

ClinVar aggregate classification (germline): Pathogenic (1 of 4 stars; one submission).

Conditions:
Granulomatous disease, chronic, X-linked. Also called: CYTOCHROME b-NEGATIVE GRANULOMATOUS DISEASE, CHRONIC, X-LINKED; GRANULOMATOUS DISEASE, CHRONIC, X-LINKED, SOMATIC MOSAIC. Identifiers: Orphanet 379, MedGen C1844376, MONDO:0010600, OMIM 306400.

Submission:

Labcorp Genetics (formerly Invitae), Labcorp
Classification: Pathogenic for Granulomatous disease, chronic, X-linked. Last evaluated: 2025-07-29. Review status: criteria provided, single submitter. Criteria: Invitae Variant Classification Sherloc (09022015). Collection method: clinical testing. Allele origin: germline.
Comment: This sequence change replaces glutamic acid, which is acidic and polar, with lysine, which is basic and polar, at codon 568 of the CYBB protein (p.Glu568Lys). This variant is not present in population databases (gnomAD no frequency). This missense change has been observed in individuals with X-linked chronic granulomatous disease (CGD) (PMID: 10627478; internal data). It has also been observed to segregate with disease in related individuals. ClinVar contains an entry for this variant (Variation ID: 533556). Invitae Evidence Modeling of protein sequence and biophysical properties (such as structural, functional, and spatial information, amino acid conservation, physicochemical variation, residue mobility, and thermodynamic stability) indicates that this missense variant is expected to disrupt CYBB protein function with a positive predictive value of 80%. Experimental studies have shown that this missense change affects CYBB function (PMID: 10627478, 20724480). For these reasons, this variant has been classified as Pathogenic.

Literature cited by the submitters: PubMed 10627478; PubMed 20724480.

NM_000397.4(CYBB):c.1702G>A (p.Glu568Lys)

Gene: CYBB (cytochrome b-245 beta chain; plus strand). Cytogenetic location: Xp11.4.
Variant type: single nucleotide variant.
Coding change: c.1702G>A on transcript NM_000397.4 (MANE Select); coding-DNA position 1702, G replaced by A.
Protein change: p.Glu568Lys; replaces glutamic acid 568 with lysine.
Molecular consequence: missense variant.
Genome position (GRCh38, 1-based): chrX:37,810,906, G>A. VCF-style: chrX-37810906-G-A. GRCh37 (hg19) VCF-style: chrX-37670159-G-A.
Other names: short protein forms E568K.
Identifiers: ClinVar variation 533556 (VCV000533556.11), dbSNP rs1556473119, ClinGen allele CA412978883.